The following is an entry in ClinVar:

NM_000516.7(GNAS):c.1039-2A>G

Gene: GNAS (GNAS complex locus; plus strand). Cytogenetic location: 20q13.32.
Variant type: single nucleotide variant.
Coding change: c.1039-2A>G on transcript NM_000516.7 (MANE Select); the canonical splice acceptor site of the intron before coding-DNA position 1039, A replaced by G.
Molecular consequence: splice acceptor variant.
Genome position (GRCh38, 1-based): chr20:58,910,681, A>G. VCF-style: chr20-58910681-A-G. GRCh37 (hg19) VCF-style: chr20-57485736-A-G.
Other names: c.*945-2A>G (NM_016592.5); c.943-2A>G (NM_001410912.1); c.862-2A>G (NM_001309861.2, NM_001439291.1, NM_001309840.2 and 1 more transcripts); c.*900-2A>G (NM_001077490.3); c.2968-2A>G (NM_080425.4); c.2923-2A>G (NM_001410913.1); c.817-2A>G (NM_001438273.1, NM_001438274.1, NM_001438275.1); c.1042-2A>G (NM_001077488.5); and 2 more.
Identifiers: ClinVar variation 4994726 (VCV004994726.1).

ClinVar aggregate classification (germline): Likely pathogenic (1 of 4 stars; one submission).

Conditions:
GNAS-related disorder. Identifiers: MedGen CN380105.

Submission:

PreventionGenetics, part of Exact Sciences
Classification: Likely pathogenic for GNAS-related condition. Last evaluated: 2026-07-17. Review status: criteria provided, single submitter. Criteria: ACMG Guidelines, 2015. Collection method: clinical testing. Allele origin: germline.
Comment: The GNAS c.1039-2A>G variant is predicted to disrupt the AG splice acceptor site and interfere with normal splicing. To our knowledge, this variant has not been reported in the literature or in a large population database (gnomAD), indicating this variant is rare. Alternate variants impacting this splice site (c.1039-1G>A, c.1039-1G>C) have been described in individuals with GNAS-related disorders (see for example: Lebrun. 2010. PubMed ID: 20427508; described as c.1042-1G>C and c.1042-1G>A, Table S2, Snanoudj. 2020. PubMed ID: 31886927; described as IVS12-1 G>C, Shore. 2002. PubMed ID: 11784876). Variants that disrupt the consensus splice acceptor site in GNAS are expected to be pathogenic. This variant is interpreted as likely pathogenic.